The following is an entry in ClinVar:

NM_004168.4(SDHA):c.1090G>T (p.Val364Phe)

Gene: SDHA (succinate dehydrogenase complex flavoprotein subunit A; plus strand). Cytogenetic location: 5p15.33.
Variant type: single nucleotide variant.
Coding change: c.1090G>T on transcript NM_004168.4 (MANE Select); coding-DNA position 1090, G replaced by T.
Protein change: p.Val364Phe; replaces valine 364 with phenylalanine.
Molecular consequence: missense variant.
Genome position (GRCh38, 1-based): chr5:235,169, G>T. VCF-style: chr5-235169-G-T. GRCh37 (hg19) VCF-style: chr5-235284-G-T.
Other names: c.946G>T, p.Val316Phe (NM_001294332.2); c.1090G>T, p.Val364Phe (NM_001330758.2); short protein forms V316F, V364F.
Identifiers: ClinVar variation 4546739 (VCV004546739.1).
Genomic context (GRCh38, chr5:235,169, plus strand): 5'-TCTCTGCCGTATGTGATGGTGTTCTGTCTTACCAGAGGCTGTGGCCCTGAGAAAGATCAC[G>T]TCTACCTGCAGCTGCACCACCTACCTCCAGAGCAGCTGGCCACGCGCCTGCCTGGCATTT-3'
Protein context (NP_004159.2, residues 354-374): GRGCGPEKDH[Val364Phe]YLQLHHLPPE

ClinVar aggregate classification (germline): Uncertain significance (1 of 4 stars; one submission).

Conditions:
Hereditary cancer-predisposing syndrome. Also called: Tumor predisposition; Hereditary Cancer Syndrome; Hereditary neoplastic syndrome; Neoplastic Syndromes, Hereditary. Identifiers: Orphanet 140162, MedGen C0027672, MeSH D009386, MONDO:0015356.

Submission:

Ambry Genetics
Classification: Uncertain significance for Hereditary cancer-predisposing syndrome. Last evaluated: 2025-10-01. Review status: criteria provided, single submitter. Criteria: Ambry Variant Classification Scheme 2023. Collection method: clinical testing. Allele origin: germline.
Comment: The p.V364F variant (also known as c.1090G>T), located in coding exon 9 of the SDHA gene, results from a G to T substitution at nucleotide position 1090. The valine at codon 364 is replaced by phenylalanine, an amino acid with highly similar properties. This amino acid position is conserved. In addition, this alteration is predicted to be deleterious by in silico analysis. Based on the available evidence, the clinical significance of this variant remains unclear.